The following is an entry in ClinVar:

ClinVar aggregate classification (germline): Benign (1 of 4 stars; one submission).

Allele frequency attached by ClinVar (database versions not stated): 1000 Genomes Project 0.53734; 1000 Genomes Project 30x 0.53888; TOPMed 0.58464.
gnomAD v4.1: 90,006 of 151,928 alleles (59%); highest among the groups gnomAD compares: Middle Eastern, 72%; 28,409 homozygotes.

Submission:

GeneDx
Classification: Benign. Last evaluated: 2020-02-18. Review status: criteria provided, single submitter. Criteria: GeneDx Variant Classification Process June 2021. Collection method: clinical testing. Allele origin: germline. Affected: yes.
Comment: This variant is associated with the following publications: (PMID: 30544846)

NM_033439.4(IL33):c.91+1165C>T

Gene: IL33 (interleukin 33; plus strand). Cytogenetic location: 9p24.1.
Variant type: single nucleotide variant.
Coding change: c.91+1165C>T on transcript NM_033439.4 (MANE Select); 1165 bases into the intron after coding-DNA position 91, C replaced by T.
Molecular consequence: intron variant.
Genome position (GRCh38, 1-based): chr9:6,242,950, C>T. VCF-style: chr9-6242950-C-T. GRCh37 (hg19) VCF-style: chr9-6242950-C-T.
Other names: c.91+1165C>T (NM_001314044.2, NM_001314047.2, NM_001314046.2 and 4 more transcripts).
Identifiers: ClinVar variation 1288261 (VCV001288261.1), dbSNP rs4742170, ClinGen allele CA15609464.